The following is an entry in ClinVar:

NM_001080517.3(SETD5):c.4244dup (p.His1416fs)

Gene: SETD5 (SET domain containing 5; plus strand). Cytogenetic location: 3p25.3.
Variant type: Duplication.
Coding change: c.4244dup on transcript NM_001080517.3 (MANE Select); coding-DNA position 4244, one base duplicated (C; older notation c.4244dupC).
Protein change: p.His1416fs; shifts the reading frame from histidine 1416.
Molecular consequence: frameshift variant.
Genome position (GRCh38, 1-based): chr3:9,476,006, C duplicated; the last of 3 consecutive C bases (chr3:9,476,004-9,476,006); duplicating any one gives the same sequence. VCF-style (leftmost placement, unchanged base first): chr3-9476003-A-AC. GRCh37 (hg19) VCF-style: chr3-9517687-A-AC.
Other names: c.3950dup, p.His1318fs (NM_001292043.2, NM_001349451.2); c.4340dup, p.His1448fs (NM_001437633.1); c.4358dup, p.His1454fs (NM_001437635.1); c.4301dup, p.His1435fs (NM_001437643.1); c.4283dup, p.His1429fs (NM_001437701.1); short protein forms H1318fs, H1416fs, H1429fs, H1435fs, H1448fs, H1454fs.
Identifiers: ClinVar variation 4975411 (VCV004975411.1).

ClinVar aggregate classification (germline): Uncertain significance (1 of 4 stars; one submission).

Submission:

GeneDx
Classification: Uncertain significance. Last evaluated: 2026-01-28. Review status: criteria provided, single submitter. Criteria: GeneDx Variant Classification Process June 2021. Collection method: clinical testing. Allele origin: germline.
Comment: Not observed at significant frequency in large population cohorts (gnomAD); Frameshift variant predicted to result in abnormal protein length as the last 27 amino acid(s) are replaced with 37 different amino acid(s); Has not been previously published as pathogenic or benign to our knowledge